The following is an entry in ClinVar:

ClinVar aggregate classification (germline): Uncertain significance (1 of 4 stars; one submission).

Conditions:
Neurodevelopmental disorder with language delay and variable cognitive abnormalities (NEDLC). Identifiers: MedGen C5882689, MONDO:0957779, OMIM 620502.

Submission:

3billion
Classification: Uncertain significance for Neurodevelopmental disorder with language delay and variable cognitive abnormalities. Last evaluated: 2024-08-14. Review status: criteria provided, single submitter. Criteria: ACMG Guidelines, 2015. Collection method: clinical testing. Allele origin: germline. Affected: yes.
Comment: The variant is not observed in the gnomAD v4.0.0 dataset. Predicted Consequence/Location: Intron variant In silico tools predict the variant to alter splicing and produce an abnormal transcript [SpliceAI: 0.81 (>=0.2, moderate evidence for spliceogenicity)]. Therefore, this variant is classified as VUS according to the recommendation of ACMG/AMP guideline.

NM_001470.4(GABBR1):c.963+5G>C

Gene: GABBR1 (gamma-aminobutyric acid type B receptor subunit 1; minus strand). Cytogenetic location: 6p22.1.
Variant type: single nucleotide variant.
Coding change: c.963+5G>C on transcript NM_001470.4 (MANE Select); 5 bases into the intron after coding-DNA position 963, G replaced by C.
Molecular consequence: intron variant.
Genome position (GRCh38, 1-based): chr6:29,623,300, C>G on the plus strand (G>C on the coding strand, the complement: GABBR1 is on the minus strand). VCF-style: chr6-29623300-C-G. GRCh37 (hg19) VCF-style: chr6-29591077-C-G.
Other names: c.777+5G>C (NM_021904.4); c.432+5G>C (NM_001319053.2); c.612+5G>C (NM_021903.3).
Identifiers: ClinVar variation 4292221 (VCV004292221.1).